The following is an entry in ClinVar:

NM_015338.6(ASXL1):c.1670C>G (p.Thr557Ser)

Gene: ASXL1 (ASXL transcriptional regulator 1; plus strand). Cytogenetic location: 20q11.21.
Variant type: single nucleotide variant.
Coding change: c.1670C>G on transcript NM_015338.6 (MANE Select); coding-DNA position 1670, C replaced by G.
Protein change: p.Thr557Ser; replaces threonine 557 with serine.
Molecular consequence: missense variant.
Genome position (GRCh38, 1-based): chr20:32,433,868, C>G. VCF-style: chr20-32433868-C-G. GRCh37 (hg19) VCF-style: chr20-31021671-C-G.
Other names: c.1487C>G, p.Thr496Ser (NM_001363734.1); short protein forms T496S, T557S.
Identifiers: ClinVar variation 4827436 (VCV004827436.1).

ClinVar aggregate classification (germline): Uncertain significance (1 of 4 stars; one submission).

Conditions:
Inborn genetic diseases. Identifiers: MedGen C0950123, MeSH D030342.

Submission:

Ambry Genetics
Classification: Uncertain significance for Inborn genetic diseases. Last evaluated: 2026-03-12. Review status: criteria provided, single submitter. Criteria: Ambry Variant Classification Scheme 2023. Collection method: clinical testing. Allele origin: germline.
Comment: The p.T557S variant (also known as c.1670C>G), located in coding exon 12 of the ASXL1 gene, results from a C to G substitution at nucleotide position 1670. The threonine at codon 557 is replaced by serine, an amino acid with similar properties. This amino acid position is conserved. In addition, this alteration is predicted to be tolerated by in silico analysis. Based on the available evidence, the clinical significance of this variant remains unclear.